The following is an entry in ClinVar:

NM_001037131.3(AGAP1):c.2312C>T (p.Thr771Met)

Gene: AGAP1 (ArfGAP with GTPase domain, ankyrin repeat and PH domain 1; plus strand). Cytogenetic location: 2q37.2.
Variant type: single nucleotide variant.
Coding change: c.2312C>T on transcript NM_001037131.3 (MANE Select); coding-DNA position 2312, C replaced by T.
Protein change: p.Thr771Met; replaces threonine 771 with methionine.
Molecular consequence: missense variant.
Genome position (GRCh38, 1-based): chr2:236,120,389, C>T. VCF-style: chr2-236120389-C-T. GRCh37 (hg19) VCF-style: chr2-237029033-C-T.
Other names: c.3107C>T, p.Thr1036Met (NM_001436125.1); c.2948C>T, p.Thr983Met (NM_001436126.1); c.2153C>T, p.Thr718Met (NM_014914.5); short protein forms T1036M, T983M, T771M, T718M.
Identifiers: ClinVar variation 4699377 (VCV004699377.1).

ClinVar aggregate classification (germline): Uncertain significance (1 of 4 stars; one submission).

gnomAD v4.1: 5 of 1,611,492 alleles (0.00031%); highest among the groups gnomAD compares: Non-Finnish European, 0.00042%; no homozygotes.

Submission:

Labcorp Genetics (formerly Invitae), Labcorp
Classification: Uncertain significance. Last evaluated: 2025-06-10. Review status: criteria provided, single submitter. Criteria: Invitae Variant Classification Sherloc (09022015). Collection method: clinical testing. Allele origin: germline.
Comment: This sequence change replaces threonine, which is neutral and polar, with methionine, which is neutral and non-polar, at codon 718 of the AGAP1 protein (p.Thr718Met). This variant is present in population databases (no rsID available, gnomAD 0.002%). This variant has not been reported in the literature in individuals affected with AGAP1-related conditions. An algorithm developed to predict the effect of missense changes on protein structure and function (PolyPhen-2) suggests that this variant is likely to be disruptive. In summary, the available evidence is currently insufficient to determine the role of this variant in disease. Therefore, it has been classified as a Variant of Uncertain Significance.